The following is an entry in ClinVar:

NM_001009999.3(KDM1A):c.550G>A (p.Gly184Arg)

Gene: KDM1A (lysine demethylase 1A; plus strand). Cytogenetic location: 1p36.12.
Variant type: single nucleotide variant.
Coding change: c.550G>A on transcript NM_001009999.3 (MANE Select); coding-DNA position 550, G replaced by A.
Protein change: p.Gly184Arg; replaces glycine 184 with arginine.
Molecular consequence: missense variant. On other transcripts: intron variant (3).
Genome position (GRCh38, 1-based): chr1:23,044,459, G>A. VCF-style: chr1-23044459-G-A. GRCh37 (hg19) VCF-style: chr1-23370952-G-A.
Other names: c.550G>A, p.Gly184Arg (NM_001410762.1); c.518-5928G>A (NM_001363654.2, NM_001410763.1, NM_015013.4); short protein forms G184R.
Identifiers: ClinVar variation 4841921 (VCV004841921.1).
Genomic context (GRCh38, chr1:23,044,459, plus strand): 5'-CCCTGAGTTCTCCTCTTTCCTTCCACAGGGCAAGCAGGAGGACTTCAAGACGACAGTTCT[G>A]GAGGGTATGGAGACGGCCAAGCATCAGGTGAGGGTGGCATTAGATGCTTGCCACTTAGTA-3'
Protein context (NP_001009999.1, residues 174-194): QAGGLQDDSS[Gly184Arg]GYGDGQASGV

ClinVar aggregate classification (germline): Uncertain significance (1 of 4 stars; one submission).

Conditions:
Inborn genetic diseases. Identifiers: MedGen C0950123, MeSH D030342.

Submission:

Ambry Genetics
Classification: Uncertain significance for Inborn genetic diseases. Last evaluated: 2026-01-13. Review status: criteria provided, single submitter. Criteria: Ambry Variant Classification Scheme 2023. Collection method: clinical testing. Allele origin: germline.
Comment: The p.G184R variant (also known as c.550G>A), located in coding exon 3 of the KDM1A gene, results from a G to A substitution at nucleotide position 550. The glycine at codon 184 is replaced by arginine, an amino acid with dissimilar properties. This amino acid position is conserved. In addition, this alteration is predicted to be tolerated by in silico analysis. Based on the available evidence, the clinical significance of this variant remains unclear.